The following is an entry in ClinVar:

NM_144997.7(FLCN):c.1301-7G>T

Gene: FLCN (folliculin; minus strand). Cytogenetic location: 17p11.2.
Variant type: single nucleotide variant.
Coding change: c.1301-7G>T on transcript NM_144997.7 (MANE Select); 7 bases into the intron before coding-DNA position 1301, G replaced by T.
Molecular consequence: intron variant.
Genome position (GRCh38, 1-based): chr17:17,215,323, C>A on the plus strand (G>T on the coding strand, the complement: FLCN is on the minus strand). VCF-style: chr17-17215323-C-A. GRCh37 (hg19) VCF-style: chr17-17118637-C-A.
Other names: c.1301-7G>T (NM_001353231.2, NM_001353230.2); c.1355-7G>T (NM_001353229.2).
Identifiers: ClinVar variation 3773117 (VCV003773117.1).
Genomic context (GRCh38, chr17:17,215,323, plus strand): 5'-CAGGGTGGAGGGTGGAACGTGCGGCTGCGTGGACCTCCACGATGACAGCAAACTCTGTAA[C>A]AACACAAGGCCCGTGGCTCCTCATCTCCCCCATGCTCCTCACCTCCCCTGCGCTAGCCCA-3'

ClinVar aggregate classification (germline): Likely benign (1 of 4 stars; one submission).

Conditions:
Birt-Hogg-Dube syndrome 1 (BHD1). Also called: FIBROFOLLICULOMAS WITH TRICHODISCOMAS AND ACROCHORDONS. Identifiers: Orphanet 122, MedGen CN375946, MONDO:0800445, OMIM 135150.

Submission:

Myriad Genetics, Inc.
Classification: Likely benign for Birt-Hogg-Dube syndrome 1. Last evaluated: 2024-10-24. Review status: criteria provided, single submitter. Criteria: Myriad Autosomal Dominant, Autosomal Recessive and X-Linked Classification Criteria (2023). Collection method: clinical testing. Allele origin: unknown.
Comment: This variant is considered likely benign. This variant is intronic and is not expected to impact mRNA splicing.